The following is an entry in ClinVar:

NM_183075.3(CYP2U1):c.1127-17T>C

Gene: CYP2U1 (cytochrome P450 family 2 subfamily U member 1; plus strand). Cytogenetic location: 4q25.
Variant type: single nucleotide variant.
Coding change: c.1127-17T>C on transcript NM_183075.3 (MANE Select); 17 bases into the intron before coding-DNA position 1127, T replaced by C.
Molecular consequence: intron variant.
Genome position (GRCh38, 1-based): chr4:107,947,359, T>C. VCF-style: chr4-107947359-T-C. GRCh37 (hg19) VCF-style: chr4-108868515-T-C.
Identifiers: ClinVar variation 377766 (VCV000377766.13), dbSNP rs6856745, ClinGen allele CA3037129.

ClinVar aggregate classification (germline): Benign. Review status: criteria provided, multiple submitters, no conflicts (2 of 4 stars). 5 submissions from 5 submitters: Benign (5). Last evaluated 2026-02-04.

Conditions:
Spastic paraplegia. Identifiers: HP:0007216, MedGen C0037772.
Hereditary spastic paraplegia 56. Also called: Spastic paraplegia 56, autosomal recessive; SPASTIC PARAPLEGIA 56, AUTOSOMAL RECESSIVE, WITH OR WITHOUT PSEUDOXANTHOMA ELASTICUM; Spastic Paraplegia 56. Identifiers: Orphanet 320411, MedGen C3539507, MONDO:0014015, OMIM 615030.

Allele frequency attached by ClinVar (database versions not stated): ESP Exome Variant Server 0.62886; TOPMed 0.63598; gnomAD 0.63755; 1000 Genomes Project 0.65096; 1000 Genomes Project 30x 0.65350.
gnomAD v4.1: 936,510 of 1,611,890 alleles (58%); highest among the groups gnomAD compares: African/African-American, 75%; 274,697 homozygotes.

Submissions (5):

Labcorp Genetics (formerly Invitae), Labcorp
Classification: Benign for Spastic paraplegia. Last evaluated: 2026-02-04. Review status: criteria provided, single submitter. Criteria: Invitae Variant Classification Sherloc (09022015). Collection method: clinical testing. Allele origin: germline.

Blueprint Genetics
Classification: Benign. Last evaluated: 2024-11-26. Review status: criteria provided, single submitter. Criteria: ACMG Guidelines, 2015. Collection method: clinical testing. Allele origin: germline.

Genome-Nilou Lab
Classification: Benign for Hereditary spastic paraplegia 56. Last evaluated: 2021-07-30. Review status: criteria provided, single submitter. Criteria: ACMG Guidelines, 2015. Collection method: clinical testing. Allele origin: germline. Affected: no.

GeneDx
Classification: Benign. Last evaluated: 2016-01-21. Review status: criteria provided, single submitter. Criteria: GeneDx Variant Classification (06012015). Collection method: clinical testing. Allele origin: germline. Affected: yes.
Comment: This variant is considered likely benign or benign based on one or more of the following criteria: it is a conservative change, it occurs at a poorly conserved position in the protein, it is predicted to be benign by multiple in silico algorithms, and/or has population frequency not consistent with disease.

Breakthrough Genomics
Classification: Benign. Review status: criteria provided, single submitter. Criteria: ACMG Guidelines, 2015. Collection method: not provided. Allele origin: germline. Inheritance: Autosomal recessive inheritance. Affected: yes.